The following is an entry in ClinVar:

ClinVar aggregate classification (germline): Benign. Review status: criteria provided, multiple submitters, no conflicts (2 of 4 stars). 3 submissions from 2 submitters: Benign (3). Last evaluated 2018-01-13.

Conditions:
Amyotrophic lateral sclerosis type 8 (ALS8). Identifiers: Orphanet 803, MedGen C1837728, MONDO:0012077, OMIM 608627.
Adult-onset proximal spinal muscular atrophy, autosomal dominant. Also called: FINKEL LATE-ADULT TYPE SMA; Spinal muscular atrophy, late-onset, finkel type. Identifiers: Orphanet 209335, MedGen C1854058, MONDO:0008453, OMIM 182980.

Allele frequency attached by ClinVar (database versions not stated): 1000 Genomes Project 30x 0.01952; 1000 Genomes Project 0.02117; ExAC 0.02202; TOPMed 0.04480; gnomAD exomes 0.04587 and 0.06031; gnomAD 0.05672 and 0.05916.
gnomAD v4.1: 26,787 of 454,006 alleles (5.9%); highest among the groups gnomAD compares: Non-Finnish European, 8.5%; 1,183 homozygotes.

Submissions (3):

Illumina Laboratory Services, Illumina
Classification: Benign for Amyotrophic lateral sclerosis type 8. Last evaluated: 2018-01-13. Review status: criteria provided, single submitter. Criteria: ICSL Variant Classification Criteria 13 December 2019. Collection method: clinical testing. Allele origin: germline.
Comment: This variant was observed in the ICSL laboratory as part of a predisposition screen in an ostensibly healthy population. It had not been previously curated by ICSL or reported in the Human Gene Mutation Database (HGMD: prior to June 1st, 2018), and was therefore a candidate for classification through an automated scoring system. Utilizing variant allele frequency, disease prevalence and penetrance estimates, and inheritance mode, an automated score was calculated to assess if this variant is too frequent to cause the disease. Based on the score and internal cut-off values, a variant classified as benign is not then subjected to further curation. The score for this variant resulted in a classification of benign for this disease.

Illumina Laboratory Services, Illumina
Classification: Benign for Adult-onset proximal spinal muscular atrophy, autosomal dominant. Last evaluated: 2018-01-13. Review status: criteria provided, single submitter. Criteria: ICSL Variant Classification Criteria 13 December 2019. Collection method: clinical testing. Allele origin: germline.
Comment: the same text as in the submission from Illumina Laboratory Services, Illumina above.

Breakthrough Genomics
Classification: Benign. Review status: criteria provided, single submitter. Criteria: ACMG Guidelines, 2015. Collection method: not provided. Allele origin: germline. Inheritance: Autosomal dominant inheritance. Affected: yes.

NM_004738.5(VAPB):c.*4868C>T

Gene: VAPB (VAMP associated protein B and C; plus strand). Cytogenetic location: 20q13.32.
Variant type: single nucleotide variant.
Coding change: c.*4868C>T on transcript NM_004738.5 (MANE Select); 4868 bases downstream of the stop codon, C replaced by T.
Molecular consequence: 3 prime UTR variant. On other transcripts: non-coding transcript variant (1).
Genome position (GRCh38, 1-based): chr20:58,449,103, C>T. VCF-style: chr20-58449103-C-T. GRCh37 (hg19) VCF-style: chr20-57024159-C-T.
Other names: c.*4938C>T (NM_001195677.2).
Identifiers: ClinVar variation 338998 (VCV000338998.7), dbSNP rs74748993, ClinGen allele CA9924600.